The following is an entry in ClinVar:

NM_000093.5(COL5A1):c.5498C>T (p.Pro1833Leu)

Genes: COL5A1 (collagen type V alpha 1 chain; plus strand), LOC101448202 (uncharacterized LOC101448202; minus strand). Cytogenetic location: 9q34.3.
Variant type: single nucleotide variant.
Coding change: c.5498C>T on transcript NM_000093.5 (MANE Select); coding-DNA position 5498, C replaced by T.
Protein change: p.Pro1833Leu; replaces proline 1833 with leucine.
Molecular consequence: missense variant.
Genome position (GRCh38, 1-based): chr9:134,842,284, C>T. VCF-style: chr9-134842284-C-T. GRCh37 (hg19) VCF-style: chr9-137734130-C-T.
Other names: c.5498C>T, p.Pro1833Leu (NM_001278074.1); short protein forms P1833L.
Identifiers: ClinVar variation 4635337 (VCV004635337.1).

ClinVar aggregate classification (germline): Uncertain significance (1 of 4 stars; one submission).

Conditions:
Familial thoracic aortic aneurysm and aortic dissection (TAAD). Also called: Thoracic aortic aneurysms and dissections. Identifiers: Orphanet 91387, MedGen C4707243, MONDO:0019625.

gnomAD v4.1: 9 of 1,614,052 alleles (0.00056%); highest among the groups gnomAD compares: African/African-American, 0.0067%; no homozygotes.

Submission:

Ambry Genetics
Classification: Uncertain significance for Familial thoracic aortic aneurysm and aortic dissection. Last evaluated: 2025-12-01. Review status: criteria provided, single submitter. Criteria: Ambry Variant Classification Scheme 2023. Collection method: clinical testing. Allele origin: germline.
Comment: The p.P1833L variant (also known as c.5498C>T), located in coding exon 66 of the COL5A1 gene, results from a C to T substitution at nucleotide position 5498. The proline at codon 1833 is replaced by leucine, an amino acid with similar properties. This amino acid position is highly conserved in available vertebrate species. In addition, this alteration is predicted to be deleterious by in silico analysis. Based on the available evidence, the clinical significance of this variant remains unclear.